The following is an entry in ClinVar:

NM_139319.3(SLC17A8):c.1007G>A (p.Ser336Asn)

Gene: SLC17A8 (solute carrier family 17 member 8; plus strand). Cytogenetic location: 12q23.1.
Variant type: single nucleotide variant.
Coding change: c.1007G>A on transcript NM_139319.3 (MANE Select); coding-DNA position 1007, G replaced by A.
Protein change: p.Ser336Asn; replaces serine 336 with asparagine.
Molecular consequence: missense variant. On other transcripts: intron variant (1).
Genome position (GRCh38, 1-based): chr12:100,402,699, G>A. VCF-style: chr12-100402699-G-A. GRCh37 (hg19) VCF-style: chr12-100796477-G-A.
Other names: c.903+220G>A (NM_001145288.2); short protein forms S336N.
Identifiers: ClinVar variation 3699093 (VCV003699093.2).

ClinVar aggregate classification (germline): Uncertain significance (1 of 4 stars; one submission).

gnomAD v4.1: 1 of 1,614,058 alleles (0.000062%); highest among the groups gnomAD compares: Non-Finnish European, 0.000085%; no homozygotes.

Submission:

Labcorp Genetics (formerly Invitae), Labcorp
Classification: Uncertain significance. Last evaluated: 2025-09-03. Review status: criteria provided, single submitter. Criteria: Invitae Variant Classification Sherloc (09022015). Collection method: clinical testing. Allele origin: germline.
Comment: This sequence change replaces serine, which is neutral and polar, with asparagine, which is neutral and polar, at codon 336 of the SLC17A8 protein (p.Ser336Asn). This variant is not present in population databases (gnomAD no frequency). This variant has not been reported in the literature in individuals affected with SLC17A8-related conditions. ClinVar contains an entry for this variant (Variation ID: 3699093). Invitae Evidence Modeling of protein sequence and biophysical properties (such as structural, functional, and spatial information, amino acid conservation, physicochemical variation, residue mobility, and thermodynamic stability) indicates that this missense variant is not expected to disrupt SLC17A8 protein function with a negative predictive value of 80%. In summary, the available evidence is currently insufficient to determine the role of this variant in disease. Therefore, it has been classified as a Variant of Uncertain Significance.